The following is an entry in ClinVar:

ClinVar aggregate classification (germline): Uncertain significance (1 of 4 stars; one submission).

gnomAD v4.1: 14 of 1,612,350 alleles (0.00087%); highest among the groups gnomAD compares: East Asian, 0.0022%; no homozygotes.

Submission:

Labcorp Genetics (formerly Invitae), Labcorp
Classification: Uncertain significance. Last evaluated: 2026-01-19. Review status: criteria provided, single submitter. Criteria: Invitae Variant Classification Sherloc (09022015). Collection method: clinical testing. Allele origin: germline.
Comment: This sequence change replaces glutamic acid, which is acidic and polar, with aspartic acid, which is acidic and polar, at codon 261 of the DYNC1I1 protein (p.Glu261Asp). This variant is not present in population databases (gnomAD no frequency). This variant has not been reported in the literature in individuals affected with DYNC1I1-related conditions. An algorithm developed to predict the effect of missense changes on protein structure and function (PolyPhen-2) suggests that this variant is likely to be tolerated. In summary, the available evidence is currently insufficient to determine the role of this variant in disease. Therefore, it has been classified as a Variant of Uncertain Significance.

NM_001135556.2(DYNC1I1):c.732G>C (p.Glu244Asp)

Gene: DYNC1I1 (dynein cytoplasmic 1 intermediate chain 1; plus strand). Cytogenetic location: 7q21.3.
Variant type: single nucleotide variant.
Coding change: c.732G>C on transcript NM_001135556.2 (MANE Select); coding-DNA position 732, G replaced by C.
Protein change: p.Glu244Asp; replaces glutamic acid 244 with aspartic acid.
Molecular consequence: missense variant.
Genome position (GRCh38, 1-based): chr7:95,984,966, G>C. VCF-style: chr7-95984966-G-C. GRCh37 (hg19) VCF-style: chr7-95614278-G-C.
Other names: c.672G>C, p.Glu224Asp (NM_001135557.2, NM_001278422.2); c.723G>C, p.Glu241Asp (NM_001278421.2); c.783G>C, p.Glu261Asp (NM_004411.5); short protein forms E224D, E244D, E261D, E241D.
Identifiers: ClinVar variation 4695843 (VCV004695843.1).